The following is an entry in ClinVar:

ClinVar aggregate classification (germline): Benign. Review status: criteria provided, multiple submitters, no conflicts (2 of 4 stars). 5 submissions from 5 submitters: Benign (5). Last evaluated 2026-02-03.

Conditions:
Combined oxidative phosphorylation defect type 14. Also called: Combined oxidative phosphorylation deficiency 14. Identifiers: Orphanet 319519, MedGen C4755312, MONDO:0013986, OMIM 614946.

Allele frequency attached by ClinVar (database versions not stated): gnomAD exomes 0.00101; ExAC 0.00128; gnomAD 0.00355 and 0.00382; TOPMed 0.00380; ESP Exome Variant Server 0.00384; 1000 Genomes Project 0.00439; 1000 Genomes Project 30x 0.00500.
gnomAD v4.1: 1,277 of 1,614,118 alleles (0.079%); highest among the groups gnomAD compares: African/African-American, 1.3%; 8 homozygotes.

Submissions (5):

Labcorp Genetics (formerly Invitae), Labcorp
Classification: Benign for Combined oxidative phosphorylation defect type 14. Last evaluated: 2026-02-03. Review status: criteria provided, single submitter. Criteria: Invitae Variant Classification Sherloc (09022015). Collection method: clinical testing. Allele origin: germline.

ARUP Laboratories, Molecular Genetics and Genomics, ARUP Laboratories
Classification: Benign. Last evaluated: 2023-12-22. Review status: criteria provided, single submitter. Criteria: ARUP Molecular Germline Variant Investigation Process 2024. Collection method: clinical testing. Allele origin: germline.

Mayo Clinic Laboratories, Mayo Clinic
Classification: Benign. Last evaluated: 2019-10-28. Review status: criteria provided, single submitter. Criteria: ACMG Guidelines, 2015. Collection method: clinical testing. Allele origin: germline. Observed: 7 variant alleles.

Wong Mito Lab, Molecular and Human Genetics, Baylor College of Medicine
Classification: Benign for Combined oxidative phosphorylation deficiency 14. Last evaluated: 2018-06-13. Review status: criteria provided, single submitter. Criteria: ACMG Guidelines, 2015. Collection method: clinical testing. Allele origin: germline.

GeneDx
Classification: Benign. Last evaluated: 2015-09-01. Review status: criteria provided, single submitter. Criteria: GeneDx Variant Classification (06012015). Collection method: clinical testing. Allele origin: germline. Affected: yes.
Comment: This variant is considered likely benign or benign based on one or more of the following criteria: it is a conservative change, it occurs at a poorly conserved position in the protein, it is predicted to be benign by multiple in silico algorithms, and/or has population frequency not consistent with disease.

NM_006567.5(FARS2):c.468G>A (p.Thr156=)

Genes: FARS2 (phenylalanyl-tRNA synthetase 2, mitochondrial; plus strand), LOC126859565 (CDK7 strongly-dependent group 2 enhancer GRCh37_chr6:5368745-5369944; plus strand). Cytogenetic location: 6p25.1.
Variant type: single nucleotide variant.
Coding change: c.468G>A on transcript NM_006567.5 (MANE Select); coding-DNA position 468, G replaced by A.
Protein change: p.Thr156=; no amino-acid change (threonine 156 retained).
Molecular consequence: synonymous variant. On other transcripts: intron variant (2).
Genome position (GRCh38, 1-based): chr6:5,369,038, G>A. VCF-style: chr6-5369038-G-A. GRCh37 (hg19) VCF-style: chr6-5369271-G-A.
Other names: p.Thr156=; c.468G>A, p.Thr156= (NM_001318872.2, NM_001374875.1, NM_001374876.1 and 5 more transcripts); c.-340-27595G>A (NM_001375260.1); c.-84-35504G>A (NM_001375259.1).
Identifiers: ClinVar variation 377850 (VCV000377850.14), dbSNP rs73718083, ClinGen allele CA3623652.